The following is an entry in ClinVar:

ClinVar aggregate classification (germline): Uncertain significance. Review status: criteria provided, multiple submitters, no conflicts (2 of 4 stars). 2 submissions from 2 submitters: Uncertain significance (2). Last evaluated 2023-07-05.

Conditions:
Hereditary spastic paraplegia 11. Also called: Spastic Paraplegia 11; Spastic paraplegia, mental retardation and thin corpus callosum; Nakamura Osame syndrome; Autosomal recessive hereditary spastic paraplegia, mental impairment, and thin corpus callosum; SPASTIC PARAPLEGIA, AUTOSOMAL RECESSIVE, COMPLICATED, WITH THIN CORPUS CALLOSUM; SPASTIC PARAPLEGIA, AUTOSOMAL RECESSIVE, WITH MENTAL IMPAIRMENT AND THIN CORPUS CALLOSUM. Identifiers: Orphanet 2822, MedGen C1858479, MONDO:0011445, OMIM 604360.

Allele frequency attached by ClinVar (database versions not stated): gnomAD exomes below 0.00001 and 0.00001; ExAC 0.00001.
gnomAD v4.1: 22 of 1,613,992 alleles (0.0014%); highest among the groups gnomAD compares: Non-Finnish European, 0.0018%; no homozygotes.

Submissions (2):

Blueprint Genetics
Classification: Uncertain significance. Last evaluated: 2023-07-05. Review status: criteria provided, single submitter. Criteria: ACMG Guidelines, 2015. Collection method: clinical testing. Allele origin: germline.

Labcorp Genetics (formerly Invitae), Labcorp
Classification: Uncertain significance for Hereditary spastic paraplegia 11. Last evaluated: 2022-07-30. Review status: criteria provided, single submitter. Criteria: Invitae Variant Classification Sherloc (09022015). Collection method: clinical testing. Allele origin: germline.
Comment: This sequence change replaces glutamic acid, which is acidic and polar, with glycine, which is neutral and non-polar, at codon 534 of the SPG11 protein (p.Glu534Gly). This variant is present in population databases (rs778355918, gnomAD 0.0009%). This variant has not been reported in the literature in individuals affected with SPG11-related conditions. ClinVar contains an entry for this variant (Variation ID: 650814). Algorithms developed to predict the effect of missense changes on protein structure and function are either unavailable or do not agree on the potential impact of this missense change (SIFT: "Deleterious"; PolyPhen-2: "Probably Damaging"; Align-GVGD: "Class C0"). Algorithms developed to predict the effect of sequence changes on RNA splicing suggest that this variant may disrupt the consensus splice site. In summary, the available evidence is currently insufficient to determine the role of this variant in disease. Therefore, it has been classified as a Variant of Uncertain Significance.

NM_025137.4(SPG11):c.1601A>G (p.Glu534Gly)

Gene: SPG11 (SPG11 vesicle trafficking associated, spatacsin; minus strand). Cytogenetic location: 15q21.1.
Variant type: single nucleotide variant.
Coding change: c.1601A>G on transcript NM_025137.4 (MANE Select); coding-DNA position 1601, A replaced by G.
Protein change: p.Glu534Gly; replaces glutamic acid 534 with glycine.
Molecular consequence: missense variant.
Genome position (GRCh38, 1-based): chr15:44,648,867, T>C on the plus strand (A>G on the coding strand, the complement: SPG11 is on the minus strand). VCF-style: chr15-44648867-T-C. GRCh37 (hg19) VCF-style: chr15-44941065-T-C.
Other names: c.1601A>G, p.Glu534Gly (NM_001160227.2); short protein forms E534G.
Identifiers: ClinVar variation 650814 (VCV000650814.5), dbSNP rs778355918, ClinGen allele CA7535515.
Genomic context (GRCh38, chr15:44,648,867, plus strand): 5'-AATAAAAGTATATAACACAAAATAATTAAGTAATGTTCTTGGGCATTTAATTCTGTTACC[T>C]CTAGTGCATGTATGGGAATTGAGCACCTTCCCCAGCCATTGAGATGACAAAGAGTGTCCA-3'
Protein context (NP_079413.3, residues 524-544): GRCSIPIHAL[Glu534Gly]AGIENRQLDT